The following is an entry in ClinVar:

NM_001371623.1(TCOF1):c.2395G>T (p.Ala799Ser)

Gene: TCOF1 (treacle ribosome biogenesis factor 1; plus strand). Cytogenetic location: 5q32.
Variant type: single nucleotide variant.
Coding change: c.2395G>T on transcript NM_001371623.1 (MANE Select); coding-DNA position 2395, G replaced by T.
Protein change: p.Ala799Ser; replaces alanine 799 with serine.
Molecular consequence: missense variant.
Genome position (GRCh38, 1-based): chr5:150,378,959, G>T. VCF-style: chr5-150378959-G-T. GRCh37 (hg19) VCF-style: chr5-149758522-G-T.
Other names: c.2164G>T, p.Ala722Ser (NM_000356.4, NM_001135245.2); c.2395G>T, p.Ala799Ser (NM_001008657.3, NM_001135243.2, NM_001135244.2 and 1 more transcripts); short protein forms A722S, A799S.
Identifiers: ClinVar variation 707065 (VCV000707065.15), dbSNP rs373946807, ClinGen allele CA3511159.

ClinVar aggregate classification (germline): Benign/Likely benign. Review status: criteria provided, multiple submitters, no conflicts (2 of 4 stars). 4 submissions from 4 submitters: Benign (1); Likely benign (3). Last evaluated 2026-06-01.

Conditions:
Treacher Collins syndrome 1 (TCS1). Also called: TCOF1-Related Treacher Collins Syndrome. Identifiers: Orphanet 861, MedGen CN315775, MONDO:0007944, OMIM 154500.

Allele frequency attached by ClinVar (database versions not stated): ESP Exome Variant Server 0.00008; gnomAD exomes 0.00009; ExAC 0.00013; TOPMed 0.00074.

Submissions (4):

CeGaT Center for Human Genetics Tuebingen
Classification: Likely benign. Last evaluated: 2026-06-01. Review status: criteria provided, single submitter. Criteria: CeGaT Center For Human Genetics Tuebingen Variant Classification Criteria Version 2. Collection method: clinical testing. Allele origin: germline. Affected: yes. Observed: 1 variant allele.
Comment: TCOF1: BP4, BS1

Labcorp Genetics (formerly Invitae), Labcorp
Classification: Likely benign for Treacher Collins syndrome 1. Last evaluated: 2025-07-20. Review status: criteria provided, single submitter. Criteria: Invitae Variant Classification Sherloc (09022015). Collection method: clinical testing. Allele origin: germline.

Blueprint Genetics
Classification: Likely benign. Last evaluated: 2024-08-21. Review status: criteria provided, single submitter. Criteria: ACMG Guidelines, 2015. Collection method: clinical testing. Allele origin: germline.

GeneDx
Classification: Benign. Last evaluated: 2020-03-18. Review status: criteria provided, single submitter. Criteria: GeneDx Variant Classification Process June 2021. Collection method: clinical testing. Allele origin: germline. Affected: yes.
Comment: This variant is associated with the following publications: (PMID: 33206719)